The following is an entry in ClinVar:

NM_014727.3(KMT2B):c.506T>C (p.Val169Ala)

Gene: KMT2B (lysine methyltransferase 2B; plus strand). Cytogenetic location: 19q13.12.
Variant type: single nucleotide variant.
Coding change: c.506T>C on transcript NM_014727.3 (MANE Select); coding-DNA position 506, T replaced by C.
Protein change: p.Val169Ala; replaces valine 169 with alanine.
Molecular consequence: missense variant.
Genome position (GRCh38, 1-based): chr19:35,719,853, T>C. VCF-style: chr19-35719853-T-C. GRCh37 (hg19) VCF-style: chr19-36210755-T-C.
Other names: c.506T>C (NM_014727.2); short protein forms V169A.
Identifiers: ClinVar variation 3891499 (VCV003891499.2).

ClinVar aggregate classification (germline): Uncertain significance. Review status: criteria provided, multiple submitters, no conflicts (2 of 4 stars). 2 submissions from 2 submitters: Uncertain significance (2). Last evaluated 2025-02-01.

Conditions:
Dystonia 28, childhood-onset (DYT28). Also called: KMT2B-Related Dystonia (DYT-KMT2B). Identifiers: Orphanet 589618, MedGen C4310633, MONDO:0015004, OMIM 617284.
Intellectual developmental disorder, autosomal dominant 68 (MRD68). Also called: MENTAL RETARDATION, AUTOSOMAL DOMINANT 68. Identifiers: MedGen C5677008, MONDO:0030969, OMIM 619934.

Submissions (2):

GeneDx
Classification: Uncertain significance. Last evaluated: 2025-02-01. Review status: criteria provided, single submitter. Criteria: GeneDx Variant Classification Process June 2021. Collection method: clinical testing. Allele origin: germline. Affected: yes.
Comment: Not observed at significant frequency in large population cohorts (gnomAD); In silico analysis indicates that this missense variant does not alter protein structure/function; Has not been previously published as pathogenic or benign to our knowledge

Department of Pathology and Laboratory Medicine, Sinai Health System
Classification: Uncertain significance for Dystonia 28, childhood-onset; Intellectual developmental disorder, autosomal dominant 68. Last evaluated: 2022-07-04. Review status: criteria provided, single submitter. Criteria: ACMG Guidelines, 2015. Collection method: research. Allele origin: germline.